The following is an entry in ClinVar:

ClinVar aggregate classification (germline): Uncertain significance (1 of 4 stars; one submission).

Conditions:
Hereditary cancer-predisposing syndrome. Also called: Hereditary neoplastic syndrome; Neoplastic Syndromes, Hereditary; Tumor predisposition; Hereditary Cancer Syndrome. Identifiers: Orphanet 140162, MedGen C0027672, MeSH D009386, MONDO:0015356.

Submission:

Ambry Genetics
Classification: Uncertain significance for Hereditary cancer-predisposing syndrome. Last evaluated: 2025-08-27. Review status: criteria provided, single submitter. Criteria: Ambry Variant Classification Scheme 2023. Collection method: clinical testing. Allele origin: germline.
Comment: The p.Q78H variant (also known as c.234G>T), located in coding exon 3 of the MUTYH gene, results from a G to T substitution at nucleotide position 234. The glutamine at codon 78 is replaced by histidine, an amino acid with highly similar properties. This amino acid position is conserved. In addition, this alteration is predicted to be tolerated by in silico analysis. Based on the available evidence, the clinical significance of this variant remains unclear.

NM_001048174.2(MUTYH):c.150G>T (p.Gln50His)

Gene: MUTYH (mutY DNA glycosylase; minus strand). Cytogenetic location: 1p34.1.
Variant type: single nucleotide variant.
Coding change: c.150G>T on transcript NM_001048174.2 (MANE Select); coding-DNA position 150, G replaced by T.
Protein change: p.Gln50His; replaces glutamine 50 with histidine.
Molecular consequence: missense variant. On other transcripts: non-coding transcript variant (5), intron variant (5), 5 prime UTR variant (1).
Genome position (GRCh38, 1-based): chr1:45,333,527, C>A on the plus strand (G>T on the coding strand, the complement: MUTYH is on the minus strand). VCF-style: chr1-45333527-C-A. GRCh37 (hg19) VCF-style: chr1-45799199-C-A.
Other names: c.150G>T, p.Gln50His (NM_001407089.1, NM_001048171.2, NM_001048173.2 and 6 more transcripts); c.225G>T, p.Gln75His (NM_012222.3, NM_001407069.1); c.-92-30G>T (NM_001350651.2, NM_001407082.1); c.-97-30G>T (NM_001293192.2, NM_001293196.2, NM_001407091.1); c.153G>T, p.Gln51His (NM_001048172.2, NM_001407071.1, NM_001407078.1 and 2 more transcripts); c.234G>T, p.Gln78His (NM_001128425.2); c.195G>T, p.Gln65His (NM_001293190.2); c.183G>T, p.Gln61His (NM_001293191.2, NM_001407077.1); and 4 more; short protein forms Q57H, Q61H, Q64H, Q51H, Q75H, Q50H, Q65H, Q22H.
Identifiers: ClinVar variation 4113537 (VCV004113537.1).